The following is an entry in ClinVar:

NM_001372051.1(CASP8):c.306-1915A>G

Gene: CASP8 (caspase 8; plus strand). Cytogenetic location: 2q33.1.
Variant type: single nucleotide variant.
Coding change: c.306-1915A>G on transcript NM_001372051.1 (MANE Select); 1915 bases into the intron before coding-DNA position 306, A replaced by G.
Molecular consequence: intron variant. On other transcripts: missense variant (1).
Genome position (GRCh38, 1-based): chr2:201,269,601, A>G. VCF-style: chr2-201269601-A-G. GRCh37 (hg19) VCF-style: chr2-202134324-A-G.
Other names: c.397A>G, p.Ile133Val (NM_001228.5); c.306-1915A>G (NM_001400651.1, NM_001400663.1, NM_001400657.1 and 20 more transcripts); c.-227-1915A>G (NM_001400677.1, NM_001400750.1, NM_001400751.1 and 6 more transcripts); c.-4-1915A>G (NM_001400669.1); c.-306-1915A>G (NM_001400680.1); c.483-1915A>G (NM_001080125.2, NM_001400642.1, NM_001400665.1); c.-408-1915A>G (NM_001400674.1); short protein forms I133V.
Identifiers: ClinVar variation 1436493 (VCV001436493.8), dbSNP rs761301334, ClinGen allele CA2053515.

ClinVar aggregate classification (germline): Uncertain significance (1 of 4 stars; one submission).

Conditions:
Autoimmune lymphoproliferative syndrome type 2B. Also called: AUTOIMMUNE LYMPHOPROLIFERATIVE SYNDROME, TYPE IIB. Identifiers: Orphanet 275517, MedGen C1846545, MONDO:0011804, OMIM 607271.

Allele frequency attached by ClinVar (database versions not stated): gnomAD exomes 0.00001; ExAC 0.00002; gnomAD 0.00002 and 0.00003; TOPMed 0.00002.
gnomAD v4.1: 15 of 1,608,744 alleles (0.00093%); highest among the groups gnomAD compares: Non-Finnish European, 0.0013%; no homozygotes.

Submission:

Labcorp Genetics (formerly Invitae), Labcorp
Classification: Uncertain significance for Autoimmune lymphoproliferative syndrome type 2B. Last evaluated: 2026-01-18. Review status: criteria provided, single submitter. Criteria: Invitae Variant Classification Sherloc (09022015). Collection method: clinical testing. Allele origin: germline.
Comment: This sequence change replaces isoleucine, which is neutral and non-polar, with valine, which is neutral and non-polar, at codon 133 of the CASP8 protein (p.Ile133Val). This variant is present in population databases (rs761301334, gnomAD 0.003%). This variant has not been reported in the literature in individuals affected with CASP8-related conditions. ClinVar contains an entry for this variant (Variation ID: 1436493). An algorithm developed to predict the effect of missense changes on protein structure and function (PolyPhen-2) suggests that this variant is likely to be tolerated. In summary, the available evidence is currently insufficient to determine the role of this variant in disease. Therefore, it has been classified as a Variant of Uncertain Significance.